The following is an entry in ClinVar:

ClinVar aggregate classification (germline): Uncertain significance (1 of 4 stars; one submission).

Conditions:
Neurodegeneration with brain iron accumulation 5 (NBIA5). Also called: STATIC ENCEPHALOPATHY OF CHILDHOOD WITH NEURODEGENERATION IN ADULTHOOD; Beta-propeller protein-associated neurodegeneration. Identifiers: Orphanet 329284, MedGen C3550973, MONDO:0010476, OMIM 300894.

Submission:

Labcorp Genetics (formerly Invitae), Labcorp
Classification: Uncertain significance for Neurodegeneration with brain iron accumulation 5. Last evaluated: 2023-10-15. Review status: criteria provided, single submitter. Criteria: Invitae Variant Classification Sherloc (09022015). Collection method: clinical testing. Allele origin: germline.
Comment: This sequence change falls in intron 5 of the WDR45 gene. It does not directly change the encoded amino acid sequence of the WDR45 protein. This variant is not present in population databases (gnomAD no frequency). This variant has not been reported in the literature in individuals affected with WDR45-related conditions. Algorithms developed to predict the effect of sequence changes on RNA splicing suggest that this variant may disrupt the consensus splice site. In summary, the available evidence is currently insufficient to determine the role of this variant in disease. Therefore, it has been classified as a Variant of Uncertain Significance.

NM_001029896.2(WDR45):c.236-12C>G

Gene: WDR45 (WD repeat domain 45; minus strand). Cytogenetic location: Xp11.23.
Variant type: single nucleotide variant.
Coding change: c.236-12C>G on transcript NM_001029896.2 (MANE Select); 12 bases into the intron before coding-DNA position 236, C replaced by G.
Molecular consequence: intron variant.
Genome position (GRCh38, 1-based): chrX:49,076,762, G>C on the plus strand (C>G on the coding strand, the complement: WDR45 is on the minus strand). VCF-style: chrX-49076762-G-C. GRCh37 (hg19) VCF-style: chrX-48934421-G-C.
Other names: c.236-9C>G (NM_007075.4).
Identifiers: ClinVar variation 2766766 (VCV002766766.3), dbSNP rs2520264363, ClinGen allele CA412948695.
Genomic context (GRCh38, chrX:49,076,762, plus strand): 5'-AGCTTCTCCTTGGAGTCCTTGCCCTCCCGGGCATCGTCCCAGATCAGCACTGCTGGGCAG[G>C]TGGGTGGGTTGTCGGGGCCAAGGTTTAGGGTAAGGGGCAGCCCTGGTGACACAGGATCCA-3'